The following is an entry in ClinVar:

ClinVar aggregate classification (germline): Conflicting classifications of pathogenicity. Review status: criteria provided, conflicting classifications (1 of 4 stars). 2 submissions from 2 submitters: Uncertain significance (1); Likely benign (1). Last evaluated 2024-12-23.

Conditions:
Inborn genetic diseases. Identifiers: MedGen C0950123, MeSH D030342.

Allele frequency attached by ClinVar (database versions not stated): ExAC 0.00001; gnomAD 0.00001; gnomAD exomes 0.00001; TOPMed 0.00001.

Submissions (2):

Labcorp Genetics (formerly Invitae), Labcorp
Classification: Uncertain significance. Last evaluated: 2024-12-23. Review status: criteria provided, single submitter. Criteria: Invitae Variant Classification Sherloc (09022015). Collection method: clinical testing. Allele origin: germline.
Comment: This sequence change replaces lysine, which is basic and polar, with glutamic acid, which is acidic and polar, at codon 1255 of the KMT2A protein (p.Lys1255Glu). This variant is present in population databases (rs782739484, gnomAD 0.02%). This variant has not been reported in the literature in individuals affected with KMT2A-related conditions. ClinVar contains an entry for this variant (Variation ID: 2620363). Invitae Evidence Modeling of protein sequence and biophysical properties (such as structural, functional, and spatial information, amino acid conservation, physicochemical variation, residue mobility, and thermodynamic stability) has been performed for this missense variant. However, the output from this modeling did not meet the statistical confidence thresholds required to predict the impact of this variant on KMT2A protein function. In summary, the available evidence is currently insufficient to determine the role of this variant in disease. Therefore, it has been classified as a Variant of Uncertain Significance.

Ambry Genetics
Classification: Likely benign for Inborn genetic diseases. Last evaluated: 2023-08-21. Review status: criteria provided, single submitter. Criteria: Ambry Variant Classification Scheme 2023. Collection method: clinical testing. Allele origin: germline.

NM_001197104.2(KMT2A):c.3763A>G (p.Lys1255Glu)

Gene: KMT2A (lysine methyltransferase 2A; plus strand). Cytogenetic location: 11q23.3.
Variant type: single nucleotide variant.
Coding change: c.3763A>G on transcript NM_001197104.2 (MANE Select); coding-DNA position 3763, A replaced by G.
Protein change: p.Lys1255Glu; replaces lysine 1255 with glutamic acid.
Molecular consequence: missense variant.
Genome position (GRCh38, 1-based): chr11:118,481,843, A>G. VCF-style: chr11-118481843-A-G. GRCh37 (hg19) VCF-style: chr11-118352558-A-G.
Other names: c.3862A>G, p.Lys1288Glu (NM_001412597.1); c.3763A>G, p.Lys1255Glu (NM_005933.4); short protein forms K1255E, K1288E.
Identifiers: ClinVar variation 2620363 (VCV002620363.4), dbSNP rs782739484, ClinGen allele CA6303722.